The following is an entry in ClinVar:

NM_001379200.1(TBX1):c.1399C>T (p.Pro467Ser)

Gene: TBX1 (T-box transcription factor 1; plus strand). Cytogenetic location: 22q11.21.
Variant type: single nucleotide variant.
Coding change: c.1399C>T on transcript NM_001379200.1 (MANE Select); coding-DNA position 1399, C replaced by T.
Protein change: p.Pro467Ser; replaces proline 467 with serine.
Molecular consequence: missense variant. On other transcripts: intron variant (2).
Genome position (GRCh38, 1-based): chr22:19,766,751, C>T. VCF-style: chr22-19766751-C-T. GRCh37 (hg19) VCF-style: chr22-19754274-C-T.
Other names: c.1372C>T, p.Pro458Ser (NM_080647.1); c.1009+749C>T (NM_005992.1, NM_080646.2); short protein forms P458S, P467S.
Identifiers: ClinVar variation 2783060 (VCV002783060.3), dbSNP rs765827356, ClinGen allele CA10102738.

ClinVar aggregate classification (germline): Uncertain significance (1 of 4 stars; one submission).

Conditions:
DiGeorge syndrome. Also called: THIRD AND FOURTH PHARYNGEAL POUCH SYNDROME; Catch22. Identifiers: Orphanet 567, MedGen C0012236, MONDO:0008564, OMIM 188400.

Allele frequency attached by ClinVar (database versions not stated): TOPMed below 0.00001; ExAC 0.00001; gnomAD exomes 0.00001.
gnomAD v4.1: 10 of 1,531,516 alleles (0.00065%); highest among the groups gnomAD compares: Non-Finnish European, 0.00078%; no homozygotes.

Submission:

Labcorp Genetics (formerly Invitae), Labcorp
Classification: Uncertain significance for DiGeorge syndrome. Last evaluated: 2024-11-04. Review status: criteria provided, single submitter. Criteria: Invitae Variant Classification Sherloc (09022015). Collection method: clinical testing. Allele origin: germline.
Comment: This sequence change replaces proline, which is neutral and non-polar, with serine, which is neutral and polar, at codon 458 of the TBX1 protein (p.Pro458Ser). This variant is present in population databases (rs765827356, gnomAD 0.004%). This variant has not been reported in the literature in individuals affected with TBX1-related conditions. ClinVar contains an entry for this variant (Variation ID: 2783060). An algorithm developed to predict the effect of missense changes on protein structure and function (PolyPhen-2) suggests that this variant is likely to be tolerated. In summary, the available evidence is currently insufficient to determine the role of this variant in disease. Therefore, it has been classified as a Variant of Uncertain Significance.